The following is an entry in ClinVar:

ClinVar aggregate classification (germline): Uncertain significance (1 of 4 stars; one submission).

Conditions:
Multiple endocrine neoplasia type 4. Also called: MULTIPLE ENDOCRINE NEOPLASIA, TYPE IV. Identifiers: Orphanet 276152, MedGen C1970712, MONDO:0012552, OMIM 610755.

Submission:

Labcorp Genetics (formerly Invitae), Labcorp
Classification: Uncertain significance for Multiple endocrine neoplasia type 4. Last evaluated: 2019-09-09. Review status: criteria provided, single submitter. Criteria: Invitae Variant Classification Sherloc (09022015). Collection method: clinical testing. Allele origin: germline.
Comment: Algorithms developed to predict the effect of missense changes on protein structure and function output the following: SIFT: "Deleterious"; PolyPhen-2: "Benign"; Align-GVGD: "Class C0". The proline amino acid residue is found in multiple mammalian species, suggesting that this missense change does not adversely affect protein function. These predictions have not been confirmed by published functional studies and their clinical significance is uncertain. In summary, the available evidence is currently insufficient to determine the role of this variant in disease. Therefore, it has been classified as a Variant of Uncertain Significance. This sequence change replaces threonine with proline at codon 142 of the CDKN1B protein (p.Thr142Pro). The threonine residue is moderately conserved and there is a small physicochemical difference between threonine and proline. This variant is not present in population databases (ExAC no frequency). This variant has not been reported in the literature in individuals with CDKN1B-related conditions.

NM_004064.5(CDKN1B):c.424A>C (p.Thr142Pro)

Gene: CDKN1B (cyclin dependent kinase inhibitor 1B; plus strand). Cytogenetic location: 12p13.1.
Variant type: single nucleotide variant.
Coding change: c.424A>C on transcript NM_004064.5 (MANE Select); coding-DNA position 424, A replaced by C.
Protein change: p.Thr142Pro; replaces threonine 142 with proline.
Molecular consequence: missense variant.
Genome position (GRCh38, 1-based): chr12:12,718,263, A>C. VCF-style: chr12-12718263-A-C. GRCh37 (hg19) VCF-style: chr12-12871197-A-C.
Other names: short protein forms T142P.
Identifiers: ClinVar variation 936568 (VCV000936568.9), dbSNP rs1946498850, ClinGen allele CA383970717.